The following is an entry in ClinVar:

NM_020975.6(RET):c.2730+8G>A

Gene: RET (ret proto-oncogene; plus strand). Cytogenetic location: 10q11.21.
Variant type: single nucleotide variant.
Coding change: c.2730+8G>A on transcript NM_020975.6 (MANE Select); 8 bases into the intron after coding-DNA position 2730, G replaced by A.
Molecular consequence: intron variant.
Genome position (GRCh38, 1-based): chr10:43,120,211, G>A. VCF-style: chr10-43120211-G-A. GRCh37 (hg19) VCF-style: chr10-43615659-G-A.
Other names: c.2730+8G>A (NM_020630.7, NM_001406743.1, NM_001406744.1 and 2 more transcripts); c.2595+8G>A (NM_001406765.1, NM_001406763.1); c.2334+8G>A (NM_001406772.1, NM_001406769.1); c.2292+8G>A (NM_001406773.1, NM_001406771.1); c.1833+8G>A (NM_001406782.1, NM_001406780.1, NM_001406779.1 and 1 more transcripts); c.1698+8G>A (NM_001406787.1); c.1713+8G>A (NM_001406785.1); c.2601+8G>A (NM_001406764.1, NM_001406762.1, NM_001406761.1); and 10 more.
Identifiers: ClinVar variation 3904608 (VCV003904608.1).
Genomic context (GRCh38, chr10:43,120,211, plus strand): 5'-TCGGCTTGTCCCGAGATGTTTATGAAGAGGATTCCTACGTGAAGAGGAGCCAGGTGCCCA[G>A]TCCCGGGGATGAGGCGGGGCTCCCAGGGATCCCAGGTGCACCATGGGGCAGGCAGTGCCC-3'

ClinVar aggregate classification (germline): Likely benign (1 of 4 stars; one submission).

Conditions:
Multiple endocrine neoplasia type 2A. Also called: Multiple Endocrine Neoplasia Type 2A (MEN2A); MULTIPLE ENDOCRINE NEOPLASIA, TYPE IIA; PTC SYNDROME; SIPPLE SYNDROME; MEN 2A; MEN-2A syndrome. Identifiers: Orphanet 247698, Orphanet 653, MedGen C0025268, MeSH D018813, MONDO:0008234, OMIM 171400.

gnomAD v4.1: 3 of 1,612,382 alleles (0.00019%); highest among the groups gnomAD compares: Non-Finnish European, 0.00025%; no homozygotes.

Submission:

Myriad Genetics, Inc.
Classification: Likely benign for Multiple endocrine neoplasia type 2A. Last evaluated: 2025-02-27. Review status: criteria provided, single submitter. Criteria: Myriad Autosomal Dominant, Autosomal Recessive and X-Linked Classification Criteria (2023). Collection method: clinical testing. Allele origin: unknown.
Comment: This variant is considered likely benign. This variant is intronic and is not expected to impact mRNA splicing.